The following is an entry in ClinVar:

NM_018129.4(PNPO):c.395A>G (p.Tyr132Cys)

Gene: PNPO (pyridoxamine 5'-phosphate oxidase; plus strand). Cytogenetic location: 17q21.32.
Variant type: single nucleotide variant.
Coding change: c.395A>G on transcript NM_018129.4 (MANE Select); coding-DNA position 395, A replaced by G.
Protein change: p.Tyr132Cys; replaces tyrosine 132 with cysteine.
Molecular consequence: missense variant.
Genome position (GRCh38, 1-based): chr17:47,945,590, A>G. VCF-style: chr17-47945590-A-G. GRCh37 (hg19) VCF-style: chr17-46022956-A-G.
Other names: short protein forms Y132C.
Identifiers: ClinVar variation 625992 (VCV000625992.2), dbSNP rs1567713601, ClinGen allele CA400057950.

ClinVar aggregate classification (germline): Uncertain significance (1 of 4 stars; one submission).

Conditions:
Pyridoxal phosphate-responsive seizures (PNPOD). Also called: Pyridoxal 5'-Phosphate (PLP)-Dependent Epilepsy; Pyridoxamine 5-Prime-Phosphate Oxidase Deficiency; Pyridoxine-5'-phosphate oxidase deficiency; EPILEPTIC ENCEPHALOPATHY, NEONATAL, PNPO-RELATED; SEIZURES, PYRIDOXINE-RESISTANT, PLP-SENSITIVE. Identifiers: Orphanet 79096, MedGen C1864723, MONDO:0012407, OMIM 610090. Disease mechanism: loss of function.

Submission:

Center for Genomics, Ann and Robert H. Lurie Children's Hospital of Chicago
Classification: Uncertain significance for Pyridoxal phosphate-responsive seizures. Last evaluated: 2021-03-30. Review status: criteria provided, single submitter. Criteria: ACMG Guidelines, 2015. Collection method: clinical testing. Allele origin: germline.
Comment: PNPO NM_018129.3 exon 4 p.Tyr132Cys (c.395A>G): This variant has not been reported in the literature and is not present in large control databases. Evolutionary conservation and computational predictive tools suggest that this variant may impact the protein. In summary, data on this variant is insufficient for disease classification. Therefore, the clinical significance of this variant is uncertain.